The following is an entry in ClinVar:

ClinVar aggregate classification (germline): Uncertain significance (1 of 4 stars; one submission).

Conditions:
Familial cancer of breast. Also called: hereditary breast carcinoma; BREAST CANCER, FAMILIAL; Hereditary breast cancer. Identifiers: Orphanet 227535, MedGen C0346153, MONDO:0016419, OMIM 114480. Disease mechanism: loss of function.

Submission:

Labcorp Genetics (formerly Invitae), Labcorp
Classification: Uncertain significance for Familial cancer of breast. Last evaluated: 2023-05-04. Review status: criteria provided, single submitter. Criteria: Invitae Variant Classification Sherloc (09022015). Collection method: clinical testing. Allele origin: germline.
Comment: This sequence change replaces glycine, which is neutral and non-polar, with serine, which is neutral and polar, at codon 1000 of the PALB2 protein (p.Gly1000Ser). In summary, the available evidence is currently insufficient to determine the role of this variant in disease. Therefore, it has been classified as a Variant of Uncertain Significance. RNA analysis performed to evaluate the impact of this missense change on mRNA splicing indicates it does not significantly alter splicing (Invitae). Algorithms developed to predict the effect of missense changes on protein structure and function output the following: SIFT: "Not Available"; PolyPhen-2: "Benign"; Align-GVGD: "Not Available". The serine amino acid residue is found in multiple mammalian species, which suggests that this missense change does not adversely affect protein function. ClinVar contains an entry for this variant (Variation ID: 835767). This variant has not been reported in the literature in individuals affected with PALB2-related conditions. This variant is not present in population databases (gnomAD no frequency).

NM_024675.4(PALB2):c.2998G>A (p.Gly1000Ser)

Gene: PALB2 (partner and localizer of BRCA2; minus strand). Cytogenetic location: 16p12.2.
Variant type: single nucleotide variant.
Coding change: c.2998G>A on transcript NM_024675.4 (MANE Select); coding-DNA position 2998, G replaced by A.
Protein change: p.Gly1000Ser; replaces glycine 1000 with serine.
Molecular consequence: missense variant.
Genome position (GRCh38, 1-based): chr16:23,621,477, C>T on the plus strand (G>A on the coding strand, the complement: PALB2 is on the minus strand). VCF-style: chr16-23621477-C-T. GRCh37 (hg19) VCF-style: chr16-23632798-C-T.
Other names: short protein forms G1000S.
Identifiers: ClinVar variation 835767 (VCV000835767.11), dbSNP rs1966773345, ClinGen allele CA395143241.